The following is an entry in ClinVar:

NM_000383.4(AIRE):c.1427C>T (p.Ser476Leu)

Gene: AIRE (autoimmune regulator; plus strand). Cytogenetic location: 21q22.3.
Variant type: single nucleotide variant.
Coding change: c.1427C>T on transcript NM_000383.4 (MANE Select); coding-DNA position 1427, C replaced by T.
Protein change: p.Ser476Leu; replaces serine 476 with leucine.
Molecular consequence: missense variant.
Genome position (GRCh38, 1-based): chr21:44,294,427, C>T. VCF-style: chr21-44294427-C-T. GRCh37 (hg19) VCF-style: chr21-45714310-C-T.
Other names: c.1427C>T (NM_000383.2); short protein forms S476L.
Identifiers: ClinVar variation 1520314 (VCV001520314.7), dbSNP rs754217318, ClinGen allele CA10052128.

ClinVar aggregate classification (germline): Uncertain significance. Review status: criteria provided, multiple submitters, no conflicts (2 of 4 stars). 3 submissions from 3 submitters: Uncertain significance (3). Last evaluated 2024-11-09.

Conditions:
Polyglandular autoimmune syndrome, type 1 (APS1). Also called: Autoimmune polyendocrine syndrome type 1; Autoimmune polyendocrinopathy syndrome, type I; AUTOIMMUNE POLYENDOCRINE SYNDROME, TYPE I, WITH OR WITHOUT REVERSIBLE METAPHYSEAL DYSPLASIA; APS I; Whitaker syndrome; Autoimmune polyendocrinopathy syndrome , type I, with or without reversible metaphyseal dysplasia. Identifiers: Orphanet 3453, MedGen C0085859, MONDO:0009411, OMIM 240300.
Inborn genetic diseases. Identifiers: MedGen C0950123, MeSH D030342.

Allele frequency attached by ClinVar (database versions not stated): gnomAD 0.00001; gnomAD exomes 0.00002; ExAC 0.00003.
gnomAD v4.1: 15 of 1,578,792 alleles (0.00095%); highest among the groups gnomAD compares: Admixed American, 0.0035%; no homozygotes.

Submissions (3):

Ambry Genetics
Classification: Uncertain significance for Inborn genetic diseases. Last evaluated: 2024-11-09. Review status: criteria provided, single submitter. Criteria: Ambry Variant Classification Scheme 2023. Collection method: clinical testing. Allele origin: germline.

Blueprint Genetics
Classification: Uncertain significance. Last evaluated: 2024-02-29. Review status: criteria provided, single submitter. Criteria: ACMG Guidelines, 2015. Collection method: clinical testing. Allele origin: germline.

Labcorp Genetics (formerly Invitae), Labcorp
Classification: Uncertain significance for Polyglandular autoimmune syndrome, type 1. Last evaluated: 2021-08-24. Review status: criteria provided, single submitter. Criteria: Invitae Variant Classification Sherloc (09022015). Collection method: clinical testing. Allele origin: germline.
Comment: This sequence change replaces serine with leucine at codon 476 of the AIRE protein (p.Ser476Leu). The serine residue is highly conserved and there is a large physicochemical difference between serine and leucine. This variant is present in population databases (rs754217318, ExAC 0.006%). This variant has not been reported in the literature in individuals affected with AIRE-related conditions. Algorithms developed to predict the effect of missense changes on protein structure and function are either unavailable or do not agree on the potential impact of this missense change (SIFT: "Deleterious"; PolyPhen-2: "Benign"; Align-GVGD: "Class C65"). In summary, the available evidence is currently insufficient to determine the role of this variant in disease. Therefore, it has been classified as a Variant of Uncertain Significance.